The following is an entry in ClinVar:

ClinVar aggregate classification (germline): Pathogenic/Likely pathogenic. Review status: criteria provided, multiple submitters, no conflicts (2 of 4 stars). 2 submissions from 2 submitters: Pathogenic (1); Likely pathogenic (1). Last evaluated 2024-02-06.

Conditions:
Mucopolysaccharidosis type 6 (MPS6). Also called: N-ACETYLGALACTOSAMINE-4-SULFATASE DEFICIENCY; MPS VI; MPS 6; Maroteaux Lamy syndrome; ARSB DEFICIENCY; ARYLSULFATASE B DEFICIENCY. Identifiers: Orphanet 583, MedGen C0026709, MONDO:0009661, OMIM 253200.

Allele frequency attached by ClinVar (database versions not stated): gnomAD exomes below 0.00001.
gnomAD v4.1: 1 of 1,536,170 alleles (0.000065%); highest among the groups gnomAD compares: Non-Finnish European, 0.000087%; no homozygotes.

Submissions (2):

Labcorp Genetics (formerly Invitae), Labcorp
Classification: Pathogenic for Mucopolysaccharidosis type 6. Last evaluated: 2024-02-06. Review status: criteria provided, single submitter. Criteria: Invitae Variant Classification Sherloc (09022015). Collection method: clinical testing. Allele origin: germline.
Comment: This sequence change replaces tyrosine, which is neutral and polar, with histidine, which is basic and polar, at codon 85 of the ARSB protein (p.Tyr85His). This variant is not present in population databases (gnomAD no frequency). This missense change has been observed in individual(s) with mucopolysaccharidosis type VI (PMID: 21930407). It has also been observed to segregate with disease in related individuals. This variant is also known as c.252T>C. ClinVar contains an entry for this variant (Variation ID: 559750). Advanced modeling of protein sequence and biophysical properties (such as structural, functional, and spatial information, amino acid conservation, physicochemical variation, residue mobility, and thermodynamic stability) performed at Invitae indicates that this missense variant is expected to disrupt ARSB protein function with a positive predictive value of 80%. For these reasons, this variant has been classified as Pathogenic.

Laboratory of Diagnosis and Therapy of Lysosomal Disorders, University of Padova
Classification: Likely pathogenic for Mucopolysaccharidosis type 6. Last evaluated: 2018-01-01. Review status: criteria provided, single submitter. Criteria: ACMG Guidelines, 2015. Collection method: curation. Allele origin: germline. Affected: yes.
Comment: In vitro functional studies supportive of a damaging effect on the gene product (low to no ARSB activity in homozygotes; PS3); Absent from GnomAD (PM2)

Literature cited by the submitters: PubMed 21930407 (cited by Labcorp Genetics (formerly Invitae), Labcorp and Laboratory of Diagnosis and Therapy of Lysosomal Disorders, University of Padova); PubMed 30118150 (cited by Laboratory of Diagnosis and Therapy of Lysosomal Disorders, University of Padova).

NM_000046.5(ARSB):c.253T>C (p.Tyr85His)

Genes: ARSB (arylsulfatase B; minus strand), LOC129994126 (ATAC-STARR-seq lymphoblastoid silent region 16127; plus strand). Cytogenetic location: 5q14.1.
Variant type: single nucleotide variant.
Coding change: c.253T>C on transcript NM_000046.5 (MANE Select); coding-DNA position 253, T replaced by C.
Protein change: p.Tyr85His; replaces tyrosine 85 with histidine.
Molecular consequence: missense variant.
Genome position (GRCh38, 1-based): chr5:78,984,996, A>G on the plus strand (T>C on the coding strand, the complement: ARSB is on the minus strand). VCF-style: chr5-78984996-A-G. GRCh37 (hg19) VCF-style: chr5-78280819-A-G.
Other names: c.253T>C, p.Tyr85His (NM_198709.3); short protein forms Y85H.
Identifiers: ClinVar variation 559750 (VCV000559750.3), dbSNP rs1554032129, ClinGen allele CA360196556.